The following is an entry in ClinVar:

ClinVar aggregate classification (germline): Likely pathogenic (1 of 4 stars; one submission).

Conditions:
SLC5A5-related disorder. Also called: SLC5A5-related condition.

gnomAD v4.1: 1 of 1,614,152 alleles (0.000062%); no homozygotes.

Submission:

PreventionGenetics, part of Exact Sciences
Classification: Likely pathogenic for SLC5A5-related condition. Last evaluated: 2026-06-20. Review status: criteria provided, single submitter. Criteria: ACMG Guidelines, 2015. Collection method: clinical testing. Allele origin: germline.
Comment: The SLC5A5 c.580C>T variant is predicted to result in premature protein termination (p.Gln194*). To our knowledge, this variant has not been reported in the literature or in a large population database (gnomAD), indicating this variant is rare. Nonsense variants in SLC5A5 are expected to be pathogenic. This variant is interpreted as likely pathogenic.

NM_000453.3(SLC5A5):c.580C>T (p.Gln194Ter)

Gene: SLC5A5 (solute carrier family 5 member 5; plus strand). Cytogenetic location: 19p13.11.
Variant type: single nucleotide variant.
Coding change: c.580C>T on transcript NM_000453.3 (MANE Select); coding-DNA position 580, C replaced by T.
Protein change: p.Gln194Ter; replaces glutamine 194 with a stop codon.
Molecular consequence: nonsense.
Genome position (GRCh38, 1-based): chr19:17,875,988, C>T. VCF-style: chr19-17875988-C-T. GRCh37 (hg19) VCF-style: chr19-17986797-C-T.
Other names: c.313C>T, p.Gln105Ter (NM_001440707.1); short protein forms Q105*, Q194*.
Identifiers: ClinVar variation 4993074 (VCV004993074.1).